The following is an entry in ClinVar:

NM_014727.3(KMT2B):c.6815C>T (p.Pro2272Leu)

Gene: KMT2B (lysine methyltransferase 2B; plus strand). Cytogenetic location: 19q13.12.
Variant type: single nucleotide variant.
Coding change: c.6815C>T on transcript NM_014727.3 (MANE Select); coding-DNA position 6815, C replaced by T.
Protein change: p.Pro2272Leu; replaces proline 2272 with leucine.
Molecular consequence: missense variant.
Genome position (GRCh38, 1-based): chr19:35,733,364, C>T. VCF-style: chr19-35733364-C-T. GRCh37 (hg19) VCF-style: chr19-36224265-C-T.
Other names: short protein forms P2272L.
Identifiers: ClinVar variation 1371652 (VCV001371652.7), dbSNP rs1344846321, ClinGen allele CA405430200.
Genomic context (GRCh38, chr19:35,733,364, plus strand): 5'-CCCCGCCCCCGCCACCCCCTCCCCTGACGCTGGTGCTGAGCAGTGGGCCAGCCAGCCCGC[C>T]CCGCCAGGCCATCCGCGTCAAGAGGGTGTCCACTTTCTCCGGCCGGTCCCCGCCAGCACC-3'
Protein context (NP_055542.1, residues 2262-2282): LVLSSGPASP[Pro2272Leu]RQAIRVKRVS

ClinVar aggregate classification (germline): Uncertain significance. Review status: criteria provided, multiple submitters, no conflicts (2 of 4 stars). 2 submissions from 2 submitters: Uncertain significance (2). Last evaluated 2022-04-29.

Allele frequency attached by ClinVar (database versions not stated): TOPMed below 0.00001; gnomAD 0.00001; gnomAD exomes 0.00001 and 0.00003.
gnomAD v4.1: 44 of 1,548,778 alleles (0.0028%); highest among the groups gnomAD compares: Non-Finnish European, 0.0038%; no homozygotes.

Submissions (2):

GeneDx
Classification: Uncertain significance. Last evaluated: 2022-04-29. Review status: criteria provided, single submitter. Criteria: GeneDx Variant Classification Process June 2021. Collection method: clinical testing. Allele origin: germline. Affected: yes.
Comment: In silico analysis supports that this missense variant has a deleterious effect on protein structure/function; Has not been previously published as pathogenic or benign to our knowledge

Labcorp Genetics (formerly Invitae), Labcorp
Classification: Uncertain significance. Last evaluated: 2021-10-01. Review status: criteria provided, single submitter. Criteria: Invitae Variant Classification Sherloc (09022015). Collection method: clinical testing. Allele origin: germline.
Comment: This sequence change replaces proline with leucine at codon 2272 of the KMT2B protein (p.Pro2272Leu). The proline residue is moderately conserved and there is a moderate physicochemical difference between proline and leucine. The frequency data for this variant in the population databases is considered unreliable, as metrics indicate insufficient coverage at this position in the ExAC database. This variant has been observed in individual(s) with clinical features of KMT2B-related conditions (Invitae). Algorithms developed to predict the effect of missense changes on protein structure and function are either unavailable or do not agree on the potential impact of this missense change (SIFT: "Deleterious"; PolyPhen-2: "Not Available"; Align-GVGD: "Class C0"). In summary, the available evidence is currently insufficient to determine the role of this variant in disease. Therefore, it has been classified as a Variant of Uncertain Significance.